The following is an entry in ClinVar:

NM_001081.4(CUBN):c.7976T>C (p.Val2659Ala)

Gene: CUBN (cubilin; minus strand). Cytogenetic location: 10p13.
Variant type: single nucleotide variant.
Coding change: c.7976T>C on transcript NM_001081.4 (MANE Select); coding-DNA position 7976, T replaced by C.
Protein change: p.Val2659Ala; replaces valine 2659 with alanine.
Molecular consequence: missense variant.
Genome position (GRCh38, 1-based): chr10:16,904,052, A>G on the plus strand (T>C on the coding strand, the complement: CUBN is on the minus strand). VCF-style: chr10-16904052-A-G. GRCh37 (hg19) VCF-style: chr10-16946051-A-G.
Other names: c.7976T>C (NM_001081.3); short protein forms V2659A.
Identifiers: ClinVar variation 1036062 (VCV001036062.13), dbSNP rs1007248288, ClinGen allele CA203559204.

ClinVar aggregate classification (germline): Uncertain significance. Review status: criteria provided, multiple submitters, no conflicts (2 of 4 stars). 4 submissions from 4 submitters: Uncertain significance (3). 1 of the submissions does not count toward it. Last evaluated 2024-02-26.

Conditions:
CUBN-related disorder. Also called: CUBN-related condition.
Proteinuria, chronic benign. Identifiers: MedGen C5394384, MONDO:0030042, OMIM 618884.
Imerslund-Grasbeck syndrome type 1 (IGS1). Also called: Megaloblastic anemia 1, Finnish type; Imerslund-Gräsbeck syndrome 1; MEGALOBLASTIC ANEMIA, 1. Identifiers: MedGen C4016819, MONDO:0100156, OMIM 261100.
Imerslund-Grasbeck syndrome. Also called: Imerslund-Gräsbeck syndrome; ENTEROCYTE COBALAMIN MALABSORPTION; ENTEROCYTE INTRINSIC FACTOR RECEPTOR, DEFECT OF; PERNICIOUS ANEMIA, JUVENILE, DUE TO SELECTIVE INTESTINAL MALABSORPTION OF VITAMIN B12, WITH PROTEINURIA; Megaloblastic anemia due to inborn errors of metabolism. Identifiers: Orphanet 35858, MedGen C4551825, MONDO:0009853.

Allele frequency attached by ClinVar (database versions not stated): gnomAD exomes 0.00001 and 0.00002; TOPMed 0.00002; gnomAD 0.00004.
gnomAD v4.1: 20 of 1,612,832 alleles (0.0012%); highest among the groups gnomAD compares: Admixed American, 0.023%; no homozygotes.

Submissions (4):

GeneDx
Classification: Uncertain significance. Last evaluated: 2024-02-26. Review status: criteria provided, single submitter. Criteria: GeneDx Variant Classification Process June 2021. Collection method: clinical testing. Allele origin: germline. Affected: yes.
Comment: In silico analysis supports that this missense variant does not alter protein structure/function; Has not been previously published as pathogenic or benign to our knowledge

Fulgent Genetics
Classification: Uncertain significance for Imerslund-Grasbeck syndrome type 1; Proteinuria, chronic benign. Last evaluated: 2021-07-27. Review status: criteria provided, single submitter. Criteria: ACMG Guidelines, 2015. Collection method: clinical testing. Allele origin: unknown.

Labcorp Genetics (formerly Invitae), Labcorp
Classification: Uncertain significance for Imerslund-Grasbeck syndrome. Last evaluated: 2020-09-15. Review status: criteria provided, single submitter. Criteria: Invitae Variant Classification Sherloc (09022015). Collection method: clinical testing. Allele origin: germline.
Comment: In summary, the available evidence is currently insufficient to determine the role of this variant in disease. Therefore, it has been classified as a Variant of Uncertain Significance. Algorithms developed to predict the effect of missense changes on protein structure and function output the following: SIFT: "Tolerated"; PolyPhen-2: "Benign"; Align-GVGD: "Class C0". The alanine amino acid residue is found in multiple mammalian species, suggesting that this missense change does not adversely affect protein function. These predictions have not been confirmed by published functional studies and their clinical significance is uncertain. This variant has not been reported in the literature in individuals with CUBN-related conditions. This variant is not present in population databases (ExAC no frequency). This sequence change replaces valine with alanine at codon 2659 of the CUBN protein (p.Val2659Ala). The valine residue is moderately conserved and there is a small physicochemical difference between valine and alanine.

PreventionGenetics, part of Exact Sciences
Classification: Uncertain significance for CUBN-related condition. Last evaluated: 2024-01-04. Review status: no assertion criteria provided. Collection method: clinical testing. Allele origin: germline. Not counted in ClinVar's aggregate classification.
Comment: The CUBN c.7976T>C variant is predicted to result in the amino acid substitution p.Val2659Ala. To our knowledge, this variant has not been reported in the literature. This variant is reported in 0.017% of alleles in individuals of Latino descent in gnomAD. At this time, the clinical significance of this variant is uncertain due to the absence of conclusive functional and genetic evidence.